The following is an entry in ClinVar:

ClinVar aggregate classification (germline): Uncertain significance (1 of 4 stars; one submission).

Conditions:
Hereditary cancer-predisposing syndrome. Also called: Neoplastic Syndromes, Hereditary; Tumor predisposition; Hereditary Cancer Syndrome; Hereditary neoplastic syndrome. Identifiers: Orphanet 140162, MedGen C0027672, MeSH D009386, MONDO:0015356.

gnomAD v4.1: 1 of 1,613,894 alleles (0.000062%); highest among the groups gnomAD compares: Non-Finnish European, 0.000085%; no homozygotes.

Submission:

Ambry Genetics
Classification: Uncertain significance for Hereditary cancer-predisposing syndrome. Last evaluated: 2024-10-14. Review status: criteria provided, single submitter. Criteria: Ambry Variant Classification Scheme 2023. Collection method: clinical testing. Allele origin: germline.
Comment: The p.T2077R variant (also known as c.6230C>G), located in coding exon 15 of the APC gene, results from a C to G substitution at nucleotide position 6230. The threonine at codon 2077 is replaced by arginine, an amino acid with similar properties. This amino acid position is conserved. In addition, in silico predictors for this gene do not accurately predict pathogenicity. Based on the available evidence, the clinical significance of this variant remains unclear.

NM_000038.6(APC):c.6230C>G (p.Thr2077Arg)

Gene: APC (APC regulator of Wnt signaling pathway; plus strand). Cytogenetic location: 5q22.2.
Variant type: single nucleotide variant.
Coding change: c.6230C>G on transcript NM_000038.6 (MANE Select); coding-DNA position 6230, C replaced by G.
Protein change: p.Thr2077Arg; replaces threonine 2077 with arginine.
Molecular consequence: missense variant. On other transcripts: non-coding transcript variant (2).
Genome position (GRCh38, 1-based): chr5:112,841,824, C>G. VCF-style: chr5-112841824-C-G. GRCh37 (hg19) VCF-style: chr5-112177521-C-G.
Other names: c.6230C>G, p.Thr2077Arg (NM_001127510.3, NM_001354895.2, NM_001407450.1); c.6176C>G, p.Thr2059Arg (NM_001127511.3); c.6284C>G, p.Thr2095Arg (NM_001354896.2, NM_001407447.1, NM_001407448.1 and 1 more transcripts); c.6260C>G, p.Thr2087Arg (NM_001354897.2); c.6155C>G, p.Thr2052Arg (NM_001354898.2); c.6146C>G, p.Thr2049Arg (NM_001354899.2); c.6107C>G, p.Thr2036Arg (NM_001354900.2); c.6053C>G, p.Thr2018Arg (NM_001354901.2, NM_001407453.1); and 11 more; short protein forms T1986R, T2077R, T1693R, T1917R, T1994R, T2018R, T2036R, T2067R.
Identifiers: ClinVar variation 3411714 (VCV003411714.1).